The following is an entry in ClinVar:

ClinVar aggregate classification (germline): Pathogenic (1 of 4 stars; one submission).

Conditions:
Fanconi anemia complementation group O. Also called: RAD51C-Related Fanconi Anemia. Identifiers: Orphanet 84, MedGen C3150653, MONDO:0013248, OMIM 613390.

Submission:

Labcorp Genetics (formerly Invitae), Labcorp
Classification: Pathogenic for Fanconi anemia complementation group O. Last evaluated: 2018-05-17. Review status: criteria provided, single submitter. Criteria: Invitae Variant Classification Sherloc (09022015). Collection method: clinical testing. Allele origin: germline.
Comment: For these reasons, this variant has been classified as Pathogenic. Loss-of-function variants in RAD51C are known to be pathogenic (PMID: 20400964, 21990120, 24800917). This variant has not been reported in the literature in individuals with RAD51C-related disease. ClinVar contains an entry for this variant (Variation ID: 487252). This variant is not present in population databases (ExAC no frequency). This sequence change creates a premature translational stop signal (p.Cys104*) in the RAD51C gene. It is expected to result in an absent or disrupted protein product.

Literature cited by the submitters: PubMed 20400964; PubMed 21990120; PubMed 24800917.

NM_058216.3(RAD51C):c.312T>A (p.Cys104Ter)

Gene: RAD51C (RAD51 paralog C; plus strand). Cytogenetic location: 17q22.
Variant type: single nucleotide variant.
Coding change: c.312T>A on transcript NM_058216.3 (MANE Select); coding-DNA position 312, T replaced by A.
Protein change: p.Cys104Ter; replaces cysteine 104 with a stop codon.
Molecular consequence: nonsense. On other transcripts: non-coding transcript variant (2).
Genome position (GRCh38, 1-based): chr17:58,695,097, T>A. VCF-style: chr17-58695097-T-A. GRCh37 (hg19) VCF-style: chr17-56772458-T-A.
Other names: c.312T>A, p.Cys104Ter (NM_002876.4); short protein forms C104*.
Identifiers: ClinVar variation 487252 (VCV000487252.6), dbSNP rs1555593715, ClinGen allele CA400341116.